The following is an entry in ClinVar:

NM_005732.4(RAD50):c.3414G>A (p.Met1138Ile)

Genes: TH2LCRR (T helper type 2 locus control region associated RNA; minus strand), RAD50 (RAD50 double strand break repair protein; plus strand), TH2-LCR (Th2 cytokine locus control region; plus strand). Cytogenetic location: 5q31.1.
Variant type: single nucleotide variant.
Coding change: c.3414G>A on transcript NM_005732.4 (MANE Select); coding-DNA position 3414, G replaced by A.
Protein change: p.Met1138Ile; replaces methionine 1138 with isoleucine.
Molecular consequence: missense variant.
Genome position (GRCh38, 1-based): chr5:132,637,139, G>A. VCF-style: chr5-132637139-G-A. GRCh37 (hg19) VCF-style: chr5-131972831-G-A.
Other names: short protein forms M1138I.
Identifiers: ClinVar variation 484634 (VCV000484634.15), dbSNP rs1554100857, ClinGen allele CA360929927.

ClinVar aggregate classification (germline): Uncertain significance. Review status: criteria provided, multiple submitters, no conflicts (2 of 4 stars). 2 submissions from 2 submitters: Uncertain significance (2). Last evaluated 2019-01-21.

Conditions:
Hereditary cancer-predisposing syndrome. Also called: Neoplastic Syndromes, Hereditary; Tumor predisposition; Hereditary Cancer Syndrome; Hereditary neoplastic syndrome. Identifiers: Orphanet 140162, MedGen C0027672, MeSH D009386, MONDO:0015356.

Submissions (2):

Labcorp Genetics (formerly Invitae), Labcorp
Classification: Uncertain significance for Hereditary cancer-predisposing syndrome. Last evaluated: 2019-01-21. Review status: criteria provided, single submitter. Criteria: Invitae Variant Classification Sherloc (09022015). Collection method: clinical testing. Allele origin: germline.
Comment: This variant has not been reported in the literature in individuals with RAD50-related conditions. ClinVar contains an entry for this variant (Variation ID: 484634). In summary, the available evidence is currently insufficient to determine the role of this variant in disease. Therefore, it has been classified as a Variant of Uncertain Significance. Algorithms developed to predict the effect of missense changes on protein structure and function (SIFT, PolyPhen-2, Align-GVGD) all suggest that this variant is likely to be tolerated, but these predictions have not been confirmed by published functional studies and their clinical significance is uncertain. This variant is not present in population databases (ExAC no frequency). This sequence change replaces methionine with isoleucine at codon 1138 of the RAD50 protein (p.Met1138Ile). The methionine residue is moderately conserved and there is a small physicochemical difference between methionine and isoleucine.

Ambry Genetics
Classification: Uncertain significance for Hereditary cancer-predisposing syndrome. Last evaluated: 2016-02-26. Review status: criteria provided, single submitter. Criteria: Ambry Variant Classification Scheme 2023. Collection method: clinical testing. Allele origin: germline.
Comment: The p.M1138I variant (also known as c.3414G>A), located in coding exon 22 of the RAD50 gene, results from a G to A substitution at nucleotide position 3414. The methionine at codon 1138 is replaced by isoleucine, an amino acid with highly similar properties. This variant was not reported in population based cohorts in the following databases: Database of Single Nucleotide Polymorphisms (dbSNP), NHLBI Exome Sequencing Project (ESP), and 1000 Genomes Project. In the ESP, this variant was not observed in 6503 samples (13006 alleles) with coverage at this position. To date, this alteration has been detected with an allele frequency of approximately 0.01% (grater than 120000 alleles tested) in our clinical cohort. This amino acid position is highly conserved in available vertebrate species. In addition, this alteration is predicted to be deleterious by in silico analysis. Since supporting evidence is limited at this time, the clinical significance of this alteration remains unclear.